The following is an entry in ClinVar:

ClinVar aggregate classification (germline): Uncertain significance (1 of 4 stars; one submission).

Conditions:
Autosomal dominant nocturnal frontal lobe epilepsy 5. Also called: Epilepsy, nocturnal frontal lobe, 5; CILIARY DYSKINESIA, PRIMARY, 28, WITHOUT SITUS INVERSUS; CILIARY DYSKINESIA, PRIMARY, 28, WITH SITUS INVERSUS; KCNT1-Related Epilepsy. Identifiers: Orphanet 98784, MedGen C3554306, MONDO:0014002, OMIM 615005.
Developmental and epileptic encephalopathy, 14 (DEE14). Also called: Early infantile epileptic encephalopathy 14. Identifiers: Orphanet 293181, MedGen C3554195, MONDO:0013989, OMIM 614959.

Submission:

Labcorp Genetics (formerly Invitae), Labcorp
Classification: Uncertain significance for Autosomal dominant nocturnal frontal lobe epilepsy 5; Developmental and epileptic encephalopathy, 14. Last evaluated: 2023-04-24. Review status: criteria provided, single submitter. Criteria: Invitae Variant Classification Sherloc (09022015). Collection method: clinical testing. Allele origin: germline.
Comment: In summary, the available evidence is currently insufficient to determine the role of this variant in disease. Therefore, it has been classified as a Variant of Uncertain Significance. This variant has not been reported in the literature in individuals affected with KCNT1-related conditions. This variant is not present in population databases (gnomAD no frequency). This sequence change creates a premature translational stop signal (p.Gly702Argfs*29) in the KCNT1 gene. It is expected to result in an absent or disrupted protein product. However, the current clinical and genetic evidence is not sufficient to establish whether loss-of-function variants in KCNT1 cause disease.

NM_020822.3(KCNT1):c.2099_2103dup (p.Gly702fs)

Gene: KCNT1 (potassium sodium-activated channel subfamily T member 1; plus strand). Cytogenetic location: 9q34.3.
Variant type: Duplication.
Coding change: c.2099_2103dup on transcript NM_020822.3 (MANE Select); coding-DNA positions 2099 to 2103, 5 bases duplicated (AGAAC; older notation c.2099_2103dupAGAAC).
Protein change: p.Gly702fs; shifts the reading frame from glycine 702.
Molecular consequence: frameshift variant.
Genome position (GRCh38, 1-based): chr9:135,772,805-135,772,809, AGAAC duplicated. VCF-style (leftmost placement, unchanged base first): chr9-135772804-G-GAGAAC. GRCh37 (hg19) VCF-style: chr9-138664650-G-GAGAAC.
Other names: c.1964_1968dup, p.Gly657fs (NM_001272003.2); short protein forms G657fs, G702fs.
Identifiers: ClinVar variation 2947062 (VCV002947062.3), dbSNP rs2490987438, ClinGen allele CA2740092935.